The following is an entry in ClinVar:

ClinVar aggregate classification (germline): Likely pathogenic (1 of 4 stars; one submission).

Conditions:
Hereditary spastic paraplegia 49 (HSAN9). Also called: TECPR2-Related Hereditary Sensory and Autonomic Neuropathy with Intellectual Disability; Spastic paraplegia 49, autosomal recessive; NEUROPATHY, HEREDITARY SENSORY AND AUTONOMIC, TYPE IX, WITH DEVELOPMENTAL DELAY. Identifiers: Orphanet 320385, MedGen C5190860, MONDO:0014016, OMIM 615031.

Submission:

Natera, Inc.
Classification: Likely pathogenic for Autosomal recessive spastic paraplegia type 49. Last evaluated: 2024-07-18. Review status: criteria provided, single submitter. Criteria: Natera Variant Classification Schema (03/2026). Collection method: clinical testing. Allele origin: germline.
Comment: The c.2516del variant in TECPR2 is a frameshift variant predicted to shift the reading frame beginning at codon 839 and leads to a stop codon 61 codons downstream. This variant is expected to result in nonsense mediated decay, truncation, or a dysfunctional protein product. This variant is rare in the general population with a frequency below the threshold expected for the associated phenotype(s). Given the available evidence, this variant is classified as Likely Pathogenic.

NM_014844.5(TECPR2):c.2516del (p.Gly839fs)

Genes: TECPR2 (tectonin beta-propeller repeat containing 2; plus strand), LOC130056519 (ATAC-STARR-seq lymphoblastoid silent region 6116; plus strand). Cytogenetic location: 14q32.31.
Variant type: Deletion.
Coding change: c.2516del on transcript NM_014844.5 (MANE Select); coding-DNA position 2516, one base deleted (G; older notation c.2516delG).
Protein change: p.Gly839fs; shifts the reading frame from glycine 839.
Molecular consequence: frameshift variant.
Genome position (GRCh38, 1-based): chr14:102,438,143, G deleted; the last of 3 consecutive G bases (chr14:102,438,141-102,438,143); deleting any one gives the same sequence. VCF-style (leftmost placement, unchanged base first): chr14-102438140-CG-C. GRCh37 (hg19) VCF-style: chr14-102904477-CG-C.
Other names: c.2516del, p.Gly839fs (NM_001172631.3); short protein forms G839fs.
Identifiers: ClinVar variation 4815744 (VCV004815744.1).
Genomic context (GRCh38, chr14:102,438,140, plus strand): 5'-TCTCCGAGAAGTATATCTGGTGCCTGGACTACAAAGGCGGCCTGTTCTGCAGCGCGTTGC[CG>C]GGCGCCGGGCTGCGCTGGCAGAAGTTTGAAGATGCTGTCCAGCAGGTGGCAGTCTCGCCC-3'